The following is an entry in ClinVar:

NM_022489.4(INF2):c.1587C>T (p.Pro529=)

Gene: INF2 (inverted formin 2; plus strand). Cytogenetic location: 14q32.33.
Variant type: single nucleotide variant.
Coding change: c.1587C>T on transcript NM_022489.4 (MANE Select); coding-DNA position 1587, C replaced by T.
Protein change: p.Pro529=; no amino-acid change (proline 529 retained).
Molecular consequence: synonymous variant.
Genome position (GRCh38, 1-based): chr14:104,707,854, C>T. VCF-style: chr14-104707854-C-T. GRCh37 (hg19) VCF-style: chr14-105174191-C-T.
Other names: c.1587C>T, p.Pro529= (NM_001031714.4).
Identifiers: ClinVar variation 312690 (VCV000312690.19), dbSNP rs755649066, ClinGen allele CA7372597.

ClinVar aggregate classification (germline): Benign/Likely benign. Review status: criteria provided, multiple submitters, no conflicts (2 of 4 stars). 5 submissions from 5 submitters: Benign (2); Likely benign (2). 1 of the submissions does not count toward it. Last evaluated 2024-06-24.

Conditions:
INF2-related disorder. Also called: INF2-related condition.
Focal segmental glomerulosclerosis 5 (FSGS5). Identifiers: Orphanet 656, MedGen C2750475, MONDO:0013191, OMIM 613237.
Charcot-Marie-Tooth disease dominant intermediate E. Also called: CHARCOT-MARIE-TOOTH NEUROPATHY WITH FOCAL SEGMENTAL GLOMERULONEPHRITIS. Identifiers: Orphanet 93114, MedGen C4302667, MONDO:0013758, OMIM 614455.
Inborn genetic diseases. Identifiers: MedGen C0950123, MeSH D030342.

Allele frequency attached by ClinVar (database versions not stated): TOPMed 0.00003; gnomAD 0.00005.
gnomAD v4.1: 69 of 1,605,544 alleles (0.0043%); highest among the groups gnomAD compares: East Asian, 0.12%; no homozygotes.

Submissions (5):

Labcorp Genetics (formerly Invitae), Labcorp
Classification: Benign for Charcot-Marie-Tooth disease dominant intermediate E; Focal segmental glomerulosclerosis 5. Last evaluated: 2024-06-24. Review status: criteria provided, single submitter. Criteria: Invitae Variant Classification Sherloc (09022015). Collection method: clinical testing. Allele origin: germline.

Blueprint Genetics
Classification: Likely benign. Last evaluated: 2022-05-18. Review status: criteria provided, single submitter. Criteria: ACMG Guidelines, 2015. Collection method: clinical testing. Allele origin: germline.

Ambry Genetics
Classification: Likely benign for Inborn genetic diseases. Last evaluated: 2019-07-11. Review status: criteria provided, single submitter. Criteria: Ambry Variant Classification Scheme 2023. Collection method: clinical testing. Allele origin: germline.

Illumina Laboratory Services, Illumina
Classification: Benign for Focal segmental glomerulosclerosis 5. Last evaluated: 2018-01-13. Review status: criteria provided, single submitter. Criteria: ICSL Variant Classification Criteria 13 December 2019. Collection method: clinical testing. Allele origin: germline.
Comment: This variant was observed in the ICSL laboratory as part of a predisposition screen in an ostensibly healthy population. It had not been previously curated by ICSL or reported in the Human Gene Mutation Database (HGMD: prior to June 1st, 2018), and was therefore a candidate for classification through an automated scoring system. Utilizing variant allele frequency, disease prevalence and penetrance estimates, and inheritance mode, an automated score was calculated to assess if this variant is too frequent to cause the disease. Based on the score and internal cut-off values, a variant classified as benign is not then subjected to further curation. The score for this variant resulted in a classification of benign for this disease.

PreventionGenetics, part of Exact Sciences
Classification: Likely benign for INF2-related condition. Last evaluated: 2022-12-19. Review status: no assertion criteria provided. Collection method: clinical testing. Allele origin: germline. Not counted in ClinVar's aggregate classification.
Comment: This variant is classified as likely benign based on ACMG/AMP sequence variant interpretation guidelines (Richards et al. 2015 PMID: 25741868, with internal and published modifications).